The following is an entry in ClinVar:

NM_012433.4(SF3B1):c.1874G>A (p.Arg625His)

Gene: SF3B1 (splicing factor 3b subunit 1; minus strand). Cytogenetic location: 2q33.1.
Variant type: single nucleotide variant.
Coding change: c.1874G>A on transcript NM_012433.4 (MANE Select); coding-DNA position 1874, G replaced by A.
Protein change: p.Arg625His; replaces arginine 625 with histidine.
Molecular consequence: missense variant.
Genome position (GRCh38, 1-based): chr2:197,402,759, C>T on the plus strand (G>A on the coding strand, the complement: SF3B1 is on the minus strand). VCF-style: chr2-197402759-C-T. GRCh37 (hg19) VCF-style: chr2-198267483-C-T.
Other names: short protein forms R625H.
Identifiers: ClinVar variation 376534 (VCV000376534.4), dbSNP rs1057519961, ClinGen allele CA16602961.

ClinVar aggregate classification (germline): Likely pathogenic (1 of 4 stars; one submission).

Allele frequency attached by ClinVar (database versions not stated): gnomAD exomes below 0.00001.
gnomAD v4.1: 1 of 1,614,012 alleles (0.000062%); no homozygotes.

Submission:

Centre of Medical Genetics, University Hospital Muenster
Classification: Likely pathogenic. Last evaluated: 2021-12-05. Review status: criteria provided, single submitter. Criteria: ACMG Guidelines, 2015. Collection method: clinical testing. Allele origin: somatic. Affected: yes. Observed: 1 variant allele, 1 heterozygote.
Comment: ACMG categories: PM2,PP2,PP3,PP4,PP5,BP1